The following is an entry in ClinVar:

ClinVar aggregate classification (germline): Uncertain significance (0 of 4 stars; one submission).

Conditions:
B3GALNT2-related disorder. Also called: B3GALNT2-related condition.

gnomAD v4.1: 5 of 1,605,910 alleles (0.00031%); highest among the groups gnomAD compares: Non-Finnish European, 0.00043%; no homozygotes.

Submission:

PreventionGenetics, part of Exact Sciences
Classification: Uncertain significance for B3GALNT2-related condition. Last evaluated: 2024-07-12. Review status: no assertion criteria provided. Collection method: clinical testing. Allele origin: germline.
Comment: The B3GALNT2 c.1067A>G variant is predicted to result in the amino acid substitution p.Asp356Gly. To our knowledge, this variant has not been reported in the literature. This variant is predicted to alter splicing based on available splicing prediction software (SpliceAI, Jaganathan et al. 2019. PubMed ID: 30661751). However, the use of computer prediction software is not equivalent to functional evidence. This variant is reported in 0.00088% of alleles in individuals of European (Non-Finnish) descent in gnomAD. At this time, the clinical significance of this variant is uncertain due to the absence of conclusive functional and genetic evidence.

NM_152490.5(B3GALNT2):c.1067A>G (p.Asp356Gly)

Gene: B3GALNT2 (beta-1,3-N-acetylgalactosaminyltransferase 2; minus strand). Cytogenetic location: 1q42.3.
Variant type: single nucleotide variant.
Coding change: c.1067A>G on transcript NM_152490.5 (MANE Select); coding-DNA position 1067, A replaced by G.
Protein change: p.Asp356Gly; replaces aspartic acid 356 with glycine.
Molecular consequence: missense variant.
Genome position (GRCh38, 1-based): chr1:235,455,643, T>C on the plus strand (A>G on the coding strand, the complement: B3GALNT2 is on the minus strand). VCF-style: chr1-235455643-T-C. GRCh37 (hg19) VCF-style: chr1-235618955-T-C.
Other names: short protein forms D356G.
Identifiers: ClinVar variation 3346237 (VCV003346237.1).
Genomic context (GRCh38, chr1:235,455,643, plus strand): 5'-TCCAGATTCTTTTGGACAATCCTATTAAATACAGCTTCGAGGTCTATGTAACAGTCATCA[T>C]CTGTCTTCAGCAACAAATTGAAGCTCGTTGTTTCCACAGTCCTGTTGACACAAAAGGGAT-3'
Protein context (NP_689703.1, residues 346-366): TTSFNLLLKT[Asp356Gly]DDCYIDLEAV